The following is an entry in ClinVar:

NM_004621.6(TRPC6):c.157T>C (p.Tyr53His)

Gene: TRPC6 (transient receptor potential cation channel subfamily C member 6; minus strand). Cytogenetic location: 11q22.1.
Variant type: single nucleotide variant.
Coding change: c.157T>C on transcript NM_004621.6 (MANE Select); coding-DNA position 157, T replaced by C.
Protein change: p.Tyr53His; replaces tyrosine 53 with histidine.
Molecular consequence: missense variant.
Genome position (GRCh38, 1-based): chr11:101,583,347, A>G on the plus strand (T>C on the coding strand, the complement: TRPC6 is on the minus strand). VCF-style: chr11-101583347-A-G. GRCh37 (hg19) VCF-style: chr11-101454078-A-G.
Other names: c.157T>C, p.Tyr53His (NM_001439335.1); short protein forms Y53H.
Identifiers: ClinVar variation 4709524 (VCV004709524.1).

ClinVar aggregate classification (germline): Uncertain significance (1 of 4 stars; one submission).

gnomAD v4.1: 1 of 1,591,856 alleles (0.000063%); highest among the groups gnomAD compares: South Asian, 0.0011%; no homozygotes.

Submission:

Labcorp Genetics (formerly Invitae), Labcorp
Classification: Uncertain significance. Last evaluated: 2025-11-26. Review status: criteria provided, single submitter. Criteria: Invitae Variant Classification Sherloc (09022015). Collection method: clinical testing. Allele origin: germline.
Comment: This sequence change replaces tyrosine, which is neutral and polar, with histidine, which is basic and polar, at codon 53 of the TRPC6 protein (p.Tyr53His). This variant is not present in population databases (gnomAD no frequency). This variant has not been reported in the literature in individuals affected with TRPC6-related conditions. Invitae Evidence Modeling of protein sequence and biophysical properties (such as structural, functional, and spatial information, amino acid conservation, physicochemical variation, residue mobility, and thermodynamic stability) indicates that this missense variant is not expected to disrupt TRPC6 protein function with a negative predictive value of 95%. In summary, the available evidence is currently insufficient to determine the role of this variant in disease. Therefore, it has been classified as a Variant of Uncertain Significance.